The following is an entry in ClinVar:

ClinVar aggregate classification (germline): Uncertain significance (1 of 4 stars; one submission).

Conditions:
Hereditary cancer-predisposing syndrome. Also called: Neoplastic Syndromes, Hereditary; Tumor predisposition; Hereditary Cancer Syndrome; Hereditary neoplastic syndrome. Identifiers: Orphanet 140162, MedGen C0027672, MeSH D009386, MONDO:0015356.

Allele frequency attached by ClinVar (database versions not stated): gnomAD exomes below 0.00001.
gnomAD v4.1: 1 of 1,599,596 alleles (0.000063%); highest among the groups gnomAD compares: East Asian, 0.0022%; no homozygotes.

Submission:

Labcorp Genetics (formerly Invitae), Labcorp
Classification: Uncertain significance for Hereditary cancer-predisposing syndrome. Last evaluated: 2017-08-20. Review status: criteria provided, single submitter. Criteria: Invitae Variant Classification Sherloc (09022015). Collection method: clinical testing. Allele origin: germline.
Comment: This variant is not present in population databases (ExAC no frequency). This sequence change falls in intron 1 of the RAD50 gene. It does not directly change the encoded amino acid sequence of the RAD50 protein, but it affects a nucleotide within the consensus splice site of the intron. This variant has not been reported in the literature in individuals with RAD50-related disease. In summary, the available evidence is currently insufficient to determine the role of this variant in disease. Therefore, it has been classified as a Variant of Uncertain Significance. Nucleotide substitutions within the consensus splice site are a relatively common cause of aberrant splicing (PMID: 17576681, 9536098).

Literature cited by the submitters: PubMed 17576681; PubMed 9536098.

NM_005732.4(RAD50):c.130-3T>C

Gene: RAD50 (RAD50 double strand break repair protein; plus strand). Cytogenetic location: 5q31.1.
Variant type: single nucleotide variant.
Coding change: c.130-3T>C on transcript NM_005732.4 (MANE Select); 3 bases into the intron before coding-DNA position 130, T replaced by C.
Molecular consequence: intron variant.
Genome position (GRCh38, 1-based): chr5:132,559,281, T>C. VCF-style: chr5-132559281-T-C. GRCh37 (hg19) VCF-style: chr5-131894973-T-C.
Identifiers: ClinVar variation 527347 (VCV000527347.9), dbSNP rs1320966435, ClinGen allele CA658796636.